The following is an entry in ClinVar:

NM_000094.4(COL7A1):c.3378C>A (p.Tyr1126Ter)

Gene: COL7A1 (collagen type VII alpha 1 chain; minus strand). Cytogenetic location: 3p21.31.
Variant type: single nucleotide variant.
Coding change: c.3378C>A on transcript NM_000094.4 (MANE Select); coding-DNA position 3378, C replaced by A.
Protein change: p.Tyr1126Ter; replaces tyrosine 1126 with a stop codon.
Molecular consequence: nonsense.
Genome position (GRCh38, 1-based): chr3:48,586,588, G>T on the plus strand (C>A on the coding strand, the complement: COL7A1 is on the minus strand). VCF-style: chr3-48586588-G-T. GRCh37 (hg19) VCF-style: chr3-48624021-G-T.
Other names: short protein forms Y1126*.
Identifiers: ClinVar variation 1368471 (VCV001368471.6), dbSNP rs2107750137, ClinGen allele CA352706674.
Genomic context (GRCh38, chr3:48,586,588, plus strand): 5'-TAGCCCCAGGAGTCCATGCCTGCTGCAGTCCTCACCCAGGTTGTTCCCACTTGGGTCCAT[G>T]TAGGGCATGTCACGGATCCTTTGCAAGATAATGCCAAGGTCATGGGAGCCATTCAGTGGG-3'

ClinVar aggregate classification (germline): Pathogenic (1 of 4 stars; one submission).

Submission:

Labcorp Genetics (formerly Invitae), Labcorp
Classification: Pathogenic. Last evaluated: 2020-12-21. Review status: criteria provided, single submitter. Criteria: Invitae Variant Classification Sherloc (09022015). Collection method: clinical testing. Allele origin: germline.
Comment: For these reasons, this variant has been classified as Pathogenic. This variant has not been reported in the literature in individuals with COL7A1-related conditions. This variant is not present in population databases (ExAC no frequency). This sequence change creates a premature translational stop signal (p.Tyr1126*) in the COL7A1 gene. It is expected to result in an absent or disrupted protein product. Loss-of-function variants in COL7A1 are known to be pathogenic (PMID: 16971478).

Literature cited by the submitters: PubMed 16971478.